The following is an entry in ClinVar:

ClinVar aggregate classification (germline): Uncertain significance. Review status: criteria provided, multiple submitters, no conflicts (2 of 4 stars). 2 submissions from 2 submitters: Uncertain significance (2). Last evaluated 2025-12-16.

Conditions:
Inborn genetic diseases. Identifiers: MedGen C0950123, MeSH D030342.

Allele frequency attached by ClinVar (database versions not stated): gnomAD exomes 0.00001 and 0.00004; ExAC 0.00005; gnomAD 0.00011 and 0.00012; TOPMed 0.00018; 1000 Genomes Project 0.00020; ESP Exome Variant Server 0.00015; 1000 Genomes Project 30x 0.00016.
gnomAD v4.1: 27 of 1,611,794 alleles (0.0017%); highest among the groups gnomAD compares: African/African-American, 0.031%; no homozygotes.

Submissions (2):

Ambry Genetics
Classification: Uncertain significance for Inborn genetic diseases. Last evaluated: 2025-12-16. Review status: criteria provided, single submitter. Criteria: Ambry Variant Classification Scheme 2023. Collection method: clinical testing. Allele origin: germline.

Labcorp Genetics (formerly Invitae), Labcorp
Classification: Uncertain significance. Last evaluated: 2022-11-01. Review status: criteria provided, single submitter. Criteria: Invitae Variant Classification Sherloc (09022015). Collection method: clinical testing. Allele origin: germline.
Comment: This sequence change replaces lysine, which is basic and polar, with methionine, which is neutral and non-polar, at codon 307 of the CWC27 protein (p.Lys307Met). This variant is present in population databases (rs141017155, gnomAD 0.05%). This variant has not been reported in the literature in individuals affected with CWC27-related conditions. ClinVar contains an entry for this variant (Variation ID: 1007621). Algorithms developed to predict the effect of missense changes on protein structure and function (SIFT, PolyPhen-2, Align-GVGD) all suggest that this variant is likely to be tolerated. In summary, the available evidence is currently insufficient to determine the role of this variant in disease. Therefore, it has been classified as a Variant of Uncertain Significance.

NM_005869.4(CWC27):c.920A>T (p.Lys307Met)

Gene: CWC27 (CWC27 spliceosome associated cyclophilin; plus strand). Cytogenetic location: 5q12.3.
Variant type: single nucleotide variant.
Coding change: c.920A>T on transcript NM_005869.4 (MANE Select); coding-DNA position 920, A replaced by T.
Protein change: p.Lys307Met; replaces lysine 307 with methionine.
Molecular consequence: missense variant.
Genome position (GRCh38, 1-based): chr5:64,804,368, A>T. VCF-style: chr5-64804368-A-T. GRCh37 (hg19) VCF-style: chr5-64100195-A-T.
Other names: c.920A>T (NM_005869.2); c.920A>T, p.Lys307Met (NM_001318000.2, NM_001364478.1, NM_001297644.1 and 1 more transcripts); short protein forms K307M.
Identifiers: ClinVar variation 1007621 (VCV001007621.6), dbSNP rs141017155, ClinGen allele CA3282120.